The following is an entry in ClinVar:

ClinVar aggregate classification (germline): Uncertain significance. Review status: criteria provided, multiple submitters, no conflicts (2 of 4 stars). 7 submissions from 7 submitters: Uncertain significance (7). Last evaluated 2024-12-20.

Conditions:
Hereditary cancer-predisposing syndrome. Also called: Neoplastic Syndromes, Hereditary; Tumor predisposition; Hereditary Cancer Syndrome; Hereditary neoplastic syndrome. Identifiers: Orphanet 140162, MedGen C0027672, MeSH D009386, MONDO:0015356.
Classic or attenuated familial adenomatous polyposis. Identifiers: MedGen CN372698, MONDO:0021057.
Familial adenomatous polyposis 1 (FAP1). Also called: FAMILIAL ADENOMATOUS POLYPOSIS 1, ATTENUATED; POLYPOSIS, ADENOMATOUS INTESTINAL. Identifiers: MedGen C2713442, MONDO:0021056, OMIM 175100. Disease mechanism: loss of function.

Allele frequency attached by ClinVar (database versions not stated): gnomAD 0.00001.
gnomAD v4.1: 6 of 1,613,786 alleles (0.00037%); highest among the groups gnomAD compares: African/African-American, 0.0013%; no homozygotes.

Submissions (7):

Ambry Genetics
Classification: Uncertain significance for Hereditary cancer-predisposing syndrome. Last evaluated: 2024-12-20. Review status: criteria provided, single submitter. Criteria: Ambry Variant Classification Scheme 2023. Collection method: clinical testing. Allele origin: germline.
Comment: The p.S494G variant (also known as c.1480A>G), located in coding exon 11 of the APC gene, results from an A to G substitution at nucleotide position 1480. The serine at codon 494 is replaced by glycine, an amino acid with similar properties. This variant has been observed in at least one individual with a personal history that is consistent with features of APC-related disease (Ambry internal data). However, this variant has been detected in multiple individuals with no reported features of APC-related disease (Ambry internal data). Missense alterations in APC are not a common cause of disease (Spier I et al. Genet Med. 2024 Feb;26(2):100992). This amino acid position is highly conserved in available vertebrate species. In addition, in silico predictors for this gene do not accurately predict pathogenicity. Based on the available evidence, the clinical significance of this variant remains unclear.

Labcorp Genetics (formerly Invitae), Labcorp
Classification: Uncertain significance for Familial adenomatous polyposis 1. Last evaluated: 2024-06-04. Review status: criteria provided, single submitter. Criteria: Invitae Variant Classification Sherloc (09022015). Collection method: clinical testing. Allele origin: germline.
Comment: This sequence change replaces serine, which is neutral and polar, with glycine, which is neutral and non-polar, at codon 494 of the APC protein (p.Ser494Gly). This variant is not present in population databases (gnomAD no frequency). This variant has not been reported in the literature in individuals affected with APC-related conditions. ClinVar contains an entry for this variant (Variation ID: 482392). Advanced modeling of protein sequence and biophysical properties (such as structural, functional, and spatial information, amino acid conservation, physicochemical variation, residue mobility, and thermodynamic stability) performed at Invitae indicates that this missense variant is not expected to disrupt APC protein function with a negative predictive value of 95%. In summary, the available evidence is currently insufficient to determine the role of this variant in disease. Therefore, it has been classified as a Variant of Uncertain Significance.

All of Us Research Program, National Institutes of Health
Classification: Uncertain significance for Classic or attenuated familial adenomatous polyposis. Last evaluated: 2024-05-14. Review status: criteria provided, single submitter. Criteria: ACMG Guidelines, 2015. Collection method: clinical testing. Allele origin: germline. Inheritance: Autosomal dominant inheritance. Observed: 2 variant alleles, 2 heterozygotes.
Comment: This missense variant replaces serine with glycine at codon 494 of the APC protein. Computational prediction is inconclusive regarding the impact of this variant on protein structure and function (internally defined REVEL score threshold 0.5 < inconclusive < 0.7, PMID: 27666373). To our knowledge, functional studies have not been reported for this variant. This variant has been reported in an individual with features of APC-related disease (ClinVar SCV000667623.5). This variant has not been identified in the general population by the Genome Aggregation Database (gnomAD). The available evidence is insufficient to determine the role of this variant in disease conclusively. Therefore, this variant is classified as a Variant of Uncertain Significance.

This study involves interpretation of variants in research participants for the purpose of population health screening. Participant phenotype was not available at the time of variant classification. Additional details can be found in publication PMID: 35346344, PMCID: PMC8962531

Color Diagnostics, LLC DBA Color Health
Classification: Uncertain significance for Hereditary cancer-predisposing syndrome. Last evaluated: 2024-04-17. Review status: criteria provided, single submitter. Criteria: ACMG Guidelines, 2015. Collection method: clinical testing. Allele origin: germline.
Comment: This missense variant replaces serine with glycine at codon 494 of the APC protein. Computational prediction is inconclusive regarding the impact of this variant on protein structure and function (internally defined REVEL score threshold 0.5 < inconclusive < 0.7, PMID: 27666373). To our knowledge, functional studies have not been reported for this variant. This variant has been reported in an individual with features of APC-related disease (ClinVar SCV000667623.5). This variant has not been identified in the general population by the Genome Aggregation Database (gnomAD). The available evidence is insufficient to determine the role of this variant in disease conclusively. Therefore, this variant is classified as a Variant of Uncertain Significance.

Women's Health and Genetics/Laboratory Corporation of America, LabCorp
Classification: Uncertain significance. Last evaluated: 2024-02-21. Review status: criteria provided, single submitter. Criteria: LabCorp Variant Classification Summary - May 2015. Collection method: clinical testing. Allele origin: germline.

Baylor Genetics
Classification: Uncertain significance for Familial adenomatous polyposis 1. Last evaluated: 2023-07-11. Review status: criteria provided, single submitter. Criteria: ACMG Guidelines, 2015. Collection method: clinical testing. Allele origin: unknown.

GeneDx
Classification: Uncertain significance. Last evaluated: 2019-09-12. Review status: criteria provided, single submitter. Criteria: GeneDx Variant Classification Process June 2021. Collection method: clinical testing. Allele origin: germline. Affected: yes.
Comment: Not observed in large population cohorts (Lek 2016); In silico analysis, which includes protein predictors and evolutionary conservation, supports that this variant does not alter protein structure/function; Has not been previously published as pathogenic or benign to our knowledge

NM_000038.6(APC):c.1480A>G (p.Ser494Gly)

Gene: APC (APC regulator of Wnt signaling pathway; plus strand). Cytogenetic location: 5q22.2.
Variant type: single nucleotide variant.
Coding change: c.1480A>G on transcript NM_000038.6 (MANE Select); coding-DNA position 1480, A replaced by G.
Protein change: p.Ser494Gly; replaces serine 494 with glycine.
Molecular consequence: missense variant.
Genome position (GRCh38, 1-based): chr5:112,827,179, A>G. VCF-style: chr5-112827179-A-G. GRCh37 (hg19) VCF-style: chr5-112162876-A-G.
Other names: c.1480A>G, p.Ser494Gly (NM_001127510.3, NM_001354895.2); c.1426A>G, p.Ser476Gly (NM_001127511.3); c.1534A>G, p.Ser512Gly (NM_001354896.2); c.1510A>G, p.Ser504Gly (NM_001354897.2); c.1405A>G, p.Ser469Gly (NM_001354898.2); c.1396A>G, p.Ser466Gly (NM_001354899.2); c.1357A>G, p.Ser453Gly (NM_001354900.2); c.1303A>G, p.Ser435Gly (NM_001354901.2); and 5 more; short protein forms S476G, S494G, S334G, S368G, S466G, S512G, S435G, S453G.
Identifiers: ClinVar variation 482392 (VCV000482392.28), dbSNP rs1554081689, ClinGen allele CA16024548.